The following is an entry in ClinVar:

NM_001843.4(CNTN1):c.2604C>T (p.Leu868=)

Gene: CNTN1 (contactin 1; plus strand). Cytogenetic location: 12q12.
Variant type: single nucleotide variant.
Coding change: c.2604C>T on transcript NM_001843.4 (MANE Select); coding-DNA position 2604, C replaced by T.
Protein change: p.Leu868=; no amino-acid change (leucine 868 retained).
Molecular consequence: synonymous variant.
Genome position (GRCh38, 1-based): chr12:41,025,230, C>T. VCF-style: chr12-41025230-C-T. GRCh37 (hg19) VCF-style: chr12-41419032-C-T.
Other names: c.2571C>T, p.Leu857= (NM_175038.2).
Identifiers: ClinVar variation 706463 (VCV000706463.19), dbSNP rs145610308, ClinGen allele CA6517189.

ClinVar aggregate classification (germline): Likely benign. Review status: criteria provided, multiple submitters, no conflicts (2 of 4 stars). 4 submissions from 4 submitters: Likely benign (4). Last evaluated 2026-01-12.

Conditions:
Compton-North congenital myopathy (CMYO12). Identifiers: Orphanet 210163, MedGen C2675527, MONDO:0012929, OMIM 612540.

Allele frequency attached by ClinVar (database versions not stated): gnomAD exomes 0.00009 and 0.00008; ExAC 0.00006; gnomAD 0.00013; ESP Exome Variant Server 0.00015; 1000 Genomes Project 0.00020; TOPMed 0.00025; 1000 Genomes Project 30x 0.00031.
gnomAD v4.1: 160 of 1,613,962 alleles (0.0099%); highest among the groups gnomAD compares: African/African-American, 0.067%; no homozygotes.

Submissions (4):

Labcorp Genetics (formerly Invitae), Labcorp
Classification: Likely benign for Compton-North congenital myopathy. Last evaluated: 2026-01-12. Review status: criteria provided, single submitter. Criteria: Invitae Variant Classification Sherloc (09022015). Collection method: clinical testing. Allele origin: germline.

CeGaT Center for Human Genetics Tuebingen
Classification: Likely benign. Last evaluated: 2025-11-01. Review status: criteria provided, single submitter. Criteria: CeGaT Center For Human Genetics Tuebingen Variant Classification Criteria Version 2. Collection method: clinical testing. Allele origin: germline. Affected: yes. Observed: 1 variant allele.
Comment: CNTN1: BP4, BP7

Blueprint Genetics
Classification: Likely benign. Last evaluated: 2024-09-13. Review status: criteria provided, single submitter. Criteria: ACMG Guidelines, 2015. Collection method: clinical testing. Allele origin: germline.

Breakthrough Genomics
Classification: Likely benign. Review status: criteria provided, single submitter. Criteria: ACMG Guidelines, 2015. Collection method: not provided. Allele origin: germline. Inheritance: Autosomal recessive inheritance. Affected: yes.